The following is an entry in ClinVar:

ClinVar aggregate classification (germline): Pathogenic. Review status: reviewed by expert panel (3 of 4 stars). 7 submissions from 7 submitters: Pathogenic (1). 6 of the submissions do not count toward it. Last evaluated 2025-12-05.

Conditions:
ABCA4-related retinopathy. Also called: ABCA4-related retinoapthy; ABCA4 retinoapthy. Identifiers: MedGen CN322612, MONDO:0800406.
ABCA4-related disorder. Also called: ABCA4-related condition; ABCA4-related disorders. Identifiers: MedGen CN239167.
Retinal dystrophy. Also called: Inherited retinal dystrophy. Identifiers: Orphanet 71862, MedGen C0854723, MeSH D058499, MONDO:0019118, HP:0000556.
Retinitis pigmentosa (RP). Identifiers: Orphanet 791, MedGen C0035334, MeSH D012174, MONDO:0019200, OMIM 268000. Inheritance: Autosomal dominant, autosomal recessive and X linked inheritance.
Severe early-childhood-onset retinal dystrophy (STGD1). Also called: MACULAR DYSTROPHY WITH FLECKS, TYPE 1; STGD; Stargardt disease 1; Stargardt macular dystrophy; Juvenile onset macular degeneration. Identifiers: Orphanet 364055, Orphanet 827, MedGen C1855465, MeSH D000080362, MONDO:0009549, OMIM 248200.

Allele frequency attached by ClinVar (database versions not stated): TOPMed 0.00002.
gnomAD v4.1: 18 of 1,614,184 alleles (0.0011%); highest among the groups gnomAD compares: South Asian, 0.0022%; no homozygotes.

Submissions (7):

ClinGen ABCA4 Variant Curation Expert Panel, Clingen
Classification: Pathogenic for ABCA4-related retinopathy. Last evaluated: 2025-12-05. Review status: reviewed by expert panel. Criteria: ClinGen ABCA4 ACMG Specifications V1.0.0. Collection method: curation. Allele origin: germline. Inheritance: Autosomal recessive inheritance.
Comment: The NM_000350.3(ABCA4):c.6415C>T variant in ABCA4 is a missense variant predicted to cause substitution of arginine by tryptophan at amino acid 2139 (p.Arg2139Trp). The total minor allele frequency in gnomAD v4.1.0 is 0.00001115 (18/1614184 alleles), which is lower than the ClinGen ABCA4 VCEP’s threshold for PM2_Supporting (<0.0001). The computational predictor REVEL gives a score of 0.975 which is above the threshold of >0.772, evidence that predicts a damaging effect on ABCA4 function (PP3_Moderate). The prevalence of the variant in affected individuals is significantly increased compared with the prevalence in controls with an OR of 35.7 and the CI is 2.87-1852.51, which is above the ABCA4 VCEP threshold of ≥5, where the CI does not contain 1 (PS4; PMID: 35120629). This variant has been detected in at least 3 individuals with ABCA4-related retinopathy who were all compound heterozygous for the variant and a pathogenic variant (c.5018+2T>C, c.2345G>A; p.Trp782Ter), c.3994C>T; p.Gln1332Ter) with 1 of those was confirmed in trans by family testing (PM3_Strong; PMIDs: 37498587, 38602673). In summary, this variant meets the criteria to be classified as pathogenic for ABCA4-related retinopathy based on the ACMG/AMP criteria applied, as specified by the ClinGen ABCA4 VCEP (Specification Version 1.0): PS4, PM3_Strong, PM2_Supporting, PP3_Moderate.

Women's Health and Genetics/Laboratory Corporation of America, LabCorp
Classification: Pathogenic for Retinitis pigmentosa. Last evaluated: 2025-02-13. Review status: criteria provided, single submitter. Criteria: LabCorp Variant Classification Summary - May 2015. Collection method: clinical testing. Allele origin: germline. Not counted in ClinVar's aggregate classification.
Comment: Variant summary: ABCA4 c.6415C>T (p.Arg2139Trp) results in a non-conservative amino acid change located in the ABC transporter domain(IPR003439) of the encoded protein sequence. Five of five in-silico tools predict a damaging effect of the variant on protein function. The variant allele was found at a frequency of 8e-06 in 251478 control chromosomes. c.6415C>T has been reported in the literature in multiple individuals affected with ABCA4-related conditions (e.g., Lewis_1999, Del Pozo-Valero_2020, Karali_2022, Bianco_2023, Lin_2024, internal testing). These data indicate that the variant is very likely to be associated with disease. To our knowledge, no experimental evidence demonstrating an impact on protein function has been reported. The following publications have been ascertained in the context of this evaluation (PMID: 37498587, 32619608, 36460718, 9973280, 38219857). ClinVar contains an entry for this variant (Variation ID: 99458). Based on the evidence outlined above, the variant was classified as pathogenic.

Labcorp Genetics (formerly Invitae), Labcorp
Classification: Pathogenic. Last evaluated: 2025-01-23. Review status: criteria provided, single submitter. Criteria: Invitae Variant Classification Sherloc (09022015). Collection method: clinical testing. Allele origin: germline. Not counted in ClinVar's aggregate classification.
Comment: This sequence change replaces arginine, which is basic and polar, with tryptophan, which is neutral and slightly polar, at codon 2139 of the ABCA4 protein (p.Arg2139Trp). This variant is present in population databases (rs61750653, gnomAD 0.01%). This missense change has been observed in individual(s) with ABCA4-related conditions (PMID: 9973280, 32619608, 35119454; internal data). In at least one individual the data is consistent with being in trans (on the opposite chromosome) from a pathogenic variant. ClinVar contains an entry for this variant (Variation ID: 99458). Invitae Evidence Modeling of protein sequence and biophysical properties (such as structural, functional, and spatial information, amino acid conservation, physicochemical variation, residue mobility, and thermodynamic stability) indicates that this missense variant is expected to disrupt ABCA4 protein function with a positive predictive value of 95%. This variant disrupts the p.Arg2139 amino acid residue in ABCA4. Other variant(s) that disrupt this residue have been determined to be pathogenic (PMID: 25472526, 28559085). This suggests that this residue is clinically significant, and that variants that disrupt this residue are likely to be disease-causing. For these reasons, this variant has been classified as Pathogenic.

Institute of Human Genetics, Univ. Regensburg, Univ. Regensburg
Classification: Likely pathogenic for Retinal dystrophy. Last evaluated: 2016-01-01. Review status: criteria provided, single submitter. Criteria: ACMG Guidelines, 2015. Collection method: clinical testing. Allele origin: germline. Affected: yes. Not counted in ClinVar's aggregate classification.

Juno Genomics, Hangzhou Juno Genomics, Inc
Classification: Pathogenic for Severe early-childhood-onset retinal dystrophy. Review status: criteria provided, single submitter. Criteria: ACMG Guidelines, 2015. Collection method: clinical testing. Allele origin: germline. Affected: yes. Not counted in ClinVar's aggregate classification.
Comment: Absent from controls (or at extremely low frequency if recessive) in Genome Aggregation Database, Exome Sequencing Project, 1000 Genomes Project, or Exome Aggregation Consortium.;Multiple lines of computational evidence support a deleterious effect on the gene or gene product (conservation, evolutionary, splicing impact, etc).;For recessive disorders, detected in trans with a pathogenic variant.;Patient's phenotype or family history is highly specific for a disease with a single genetic etiology.

PreventionGenetics, part of Exact Sciences
Classification: Likely pathogenic for ABCA4-related condition. Last evaluated: 2024-06-06. Review status: no assertion criteria provided. Collection method: clinical testing. Allele origin: germline. Not counted in ClinVar's aggregate classification.
Comment: The ABCA4 c.6415C>T variant is predicted to result in the amino acid substitution p.Arg2139Trp. This variant has been reported in individuals with Stargardt disease (Lewis et al. 1999. PubMed ID: 9973280; Del Pozo-Valero et al. 2020. PubMed ID: 32619608; Karali et al. 2022. PubMed ID: 36460718; Bianco et al. 2023. PubMed ID: 37498587). This variant is reported in 0.0099% of alleles in individuals of Ashkenazi Jewish descent in gnomAD. Given the evidence, we interpret this variant as likely pathogenic.

Retina International
No classification provided. Review status: no classification provided. Collection method: not provided. Allele origin: not provided. Not counted in ClinVar's aggregate classification.

Literature cited by the submitters: PubMed 9973280 (cited by 3 submitters); PubMed 36460718 (cited by Women's Health and Genetics/Laboratory Corporation of America, LabCorp and Institute of Human Genetics, Univ. Regensburg, Univ. Regensburg); PubMed 32619608 (cited by 3 submitters); PubMed 38219857 (cited by Women's Health and Genetics/Laboratory Corporation of America, LabCorp); PubMed 37498587 (cited by Women's Health and Genetics/Laboratory Corporation of America, LabCorp); PubMed 35119454 (cited by Labcorp Genetics (formerly Invitae), Labcorp and Institute of Human Genetics, Univ. Regensburg, Univ. Regensburg); PubMed 25472526 (cited by Labcorp Genetics (formerly Invitae), Labcorp); PubMed 28559085 (cited by Labcorp Genetics (formerly Invitae), Labcorp); PubMed 31964843 (cited by Institute of Human Genetics, Univ. Regensburg, Univ. Regensburg).

NM_000350.3(ABCA4):c.6415C>T (p.Arg2139Trp)

Gene: ABCA4 (ATP binding cassette subfamily A member 4; minus strand). Cytogenetic location: 1p22.1.
Variant type: single nucleotide variant.
Coding change: c.6415C>T on transcript NM_000350.3 (MANE Select); coding-DNA position 6415, C replaced by T.
Protein change: p.Arg2139Trp; replaces arginine 2139 with tryptophan.
Molecular consequence: missense variant.
Genome position (GRCh38, 1-based): chr1:94,000,900, G>A on the plus strand (C>T on the coding strand, the complement: ABCA4 is on the minus strand). VCF-style: chr1-94000900-G-A. GRCh37 (hg19) VCF-style: chr1-94466456-G-A.
Other names: NM_000350.3(ABCA4):c.6415C>T; c.6193C>T, p.Arg2065Trp (NM_001425324.1); short protein forms R2139W, R2065W.
Identifiers: ClinVar variation 99458 (VCV000099458.15), dbSNP rs61750653, ClinGen allele CA227402.
Genomic context (GRCh38, chr1:94,000,900, plus strand): 5'-ACTTGAGATGCTGAATGGTGCCCATACATCGAAAGGCGCCCTTTACCATGATGGCCAGCC[G>A]GGTACACAGTGCCTCACATTCTTCCATGCTGTGGGGCAGGAGAGAGGAGGTGAGCAGGAG-3'
Protein context (NP_000341.2, residues 2129-2149): SMEECEALCT[Arg2139Trp]LAIMVKGAFR